The following is an entry in ClinVar:

ClinVar aggregate classification (germline): Uncertain significance (1 of 4 stars; one submission).

Submission:

GeneDx
Classification: Uncertain significance. Last evaluated: 2023-06-30. Review status: criteria provided, single submitter. Criteria: GeneDx Variant Classification Process June 2021. Collection method: clinical testing. Allele origin: germline. Affected: yes.
Comment: Not observed at significant frequency in large population cohorts (gnomAD); In silico analysis supports that this missense variant has a deleterious effect on protein structure/function; Has not been previously published as pathogenic or benign to our knowledge

NM_000458.4(HNF1B):c.1435C>T (p.His479Tyr)

Gene: HNF1B (HNF1 homeobox B; minus strand). Cytogenetic location: 17q12.
Variant type: single nucleotide variant.
Coding change: c.1435C>T on transcript NM_000458.4 (MANE Select); coding-DNA position 1435, C replaced by T.
Protein change: p.His479Tyr; replaces histidine 479 with tyrosine.
Molecular consequence: missense variant. On other transcripts: intron variant (1).
Genome position (GRCh38, 1-based): chr17:37,701,082, G>A on the plus strand (C>T on the coding strand, the complement: HNF1B is on the minus strand). VCF-style: chr17-37701082-G-A. GRCh37 (hg19) VCF-style: chr17-36061087-G-A.
Other names: c.1357C>T, p.His453Tyr (NM_001165923.4); c.1435C>T, p.His479Tyr (NM_001411100.1); c.1261+3835C>T (NM_001304286.2); short protein forms H453Y, H479Y.
Identifiers: ClinVar variation 3342401 (VCV003342401.1).